The following is an entry in ClinVar:

NM_001458.5(FLNC):c.8076C>G (p.Tyr2692Ter)

Genes: FLNC-AS1 (FLNC antisense RNA 1; minus strand), FLNC (filamin C; plus strand). Cytogenetic location: 7q32.1.
Variant type: single nucleotide variant.
Coding change: c.8076C>G on transcript NM_001458.5 (MANE Select); coding-DNA position 8076, C replaced by G.
Protein change: p.Tyr2692Ter; replaces tyrosine 2692 with a stop codon.
Molecular consequence: nonsense.
Genome position (GRCh38, 1-based): chr7:128,858,421, C>G. VCF-style: chr7-128858421-C-G. GRCh37 (hg19) VCF-style: chr7-128498475-C-G.
Other names: c.7977C>G, p.Tyr2659Ter (NM_001127487.2); short protein forms Y2659*, Y2692*.
Identifiers: ClinVar variation 4812535 (VCV004812535.1).
Genomic context (GRCh38, chr7:128,858,421, plus strand): 5'-GCACGGCCCCAAGACCCCCTGTGAGGAGGTGTACGTGAAGCACATGGGGAACCGGGTGTA[C>G]AATGTCACCTACACTGTCAAGGAGAAAGGGGACTACATCCTCATTGTCAAGTGGGGTGAC-3'

ClinVar aggregate classification (germline): Uncertain significance (1 of 4 stars; one submission).

Conditions:
Hypertrophic cardiomyopathy 26. Also called: Cardiomyopathy, familial hypertrophic, 26. Identifiers: Orphanet 75249, MedGen C4310749, MONDO:0014883, OMIM 617047.
Myofibrillar myopathy 5. Also called: Filaminopathy (type); FILAMINOPATHY, AUTOSOMAL DOMINANT. Identifiers: Orphanet 171445, MedGen C1836050, MONDO:0012289, OMIM 609524.
Distal myopathy with posterior leg and anterior hand involvement. Also called: WILLIAMS DISTAL MYOPATHY. Identifiers: Orphanet 63273, MedGen C3279722, MONDO:0013550, OMIM 614065.

Submission:

Labcorp Genetics (formerly Invitae), Labcorp
Classification: Uncertain significance for Distal myopathy with posterior leg and anterior hand involvement; Myofibrillar myopathy 5; Hypertrophic cardiomyopathy 26. Last evaluated: 2025-10-05. Review status: criteria provided, single submitter. Criteria: Invitae Variant Classification Sherloc (09022015). Collection method: clinical testing. Allele origin: germline.
Comment: This sequence change creates a premature translational stop signal (p.Tyr2692*) in the FLNC gene. While this is not anticipated to result in nonsense mediated decay, it is expected to disrupt the last 34 amino acid(s) of the FLNC protein. This variant is not present in population databases (gnomAD no frequency). This variant has not been reported in the literature in individuals affected with FLNC-related conditions. Experimental studies and prediction algorithms are not available or were not evaluated, and the functional significance of this variant is currently unknown. In summary, the available evidence is currently insufficient to determine the role of this variant in disease. Therefore, it has been classified as a Variant of Uncertain Significance.